The following is an entry in ClinVar:

ClinVar aggregate classification (germline): Uncertain significance. Review status: criteria provided, multiple submitters, no conflicts (2 of 4 stars). 2 submissions from 2 submitters: Uncertain significance (2). Last evaluated 2025-07-01.

Conditions:
Catecholaminergic polymorphic ventricular tachycardia 1. Also called: VENTRICULAR TACHYCARDIA, STRESS-INDUCED POLYMORPHIC 1; VENTRICULAR TACHYCARDIA, CATECHOLAMINERGIC POLYMORPHIC, 1, WITH OR WITHOUT ATRIAL DYSFUNCTION AND/OR DILATED CARDIOMYOPATHY; RYR2-Related Catecholaminergic Polymorphic Ventricular Tachycardia. Identifiers: Orphanet 3286, MedGen C1631597, MONDO:0011484, OMIM 604772.
Cardiomyopathy (CMYO). Also called: Cardiomyopathies. Identifiers: Orphanet 167848, MedGen C0878544, MONDO:0004994, HP:0001638. Inheritance: Various modes of inheritance.

Allele frequency attached by ClinVar (database versions not stated): TOPMed 0.00001.

Submissions (2):

Labcorp Genetics (formerly Invitae), Labcorp
Classification: Uncertain significance for Catecholaminergic polymorphic ventricular tachycardia 1. Last evaluated: 2025-07-01. Review status: criteria provided, single submitter. Criteria: Invitae Variant Classification Sherloc (09022015). Collection method: clinical testing. Allele origin: germline.
Comment: This sequence change replaces isoleucine, which is neutral and non-polar, with phenylalanine, which is neutral and non-polar, at codon 4308 of the RYR2 protein (p.Ile4308Phe). This variant is not present in population databases (gnomAD no frequency). This variant has not been reported in the literature in individuals affected with RYR2-related conditions. ClinVar contains an entry for this variant (Variation ID: 2774399). Invitae Evidence Modeling of protein sequence and biophysical properties (such as structural, functional, and spatial information, amino acid conservation, physicochemical variation, residue mobility, and thermodynamic stability) has been performed for this missense variant. However, the output from this modeling did not meet the statistical confidence thresholds required to predict the impact of this variant on RYR2 protein function. In summary, the available evidence is currently insufficient to determine the role of this variant in disease. Therefore, it has been classified as a Variant of Uncertain Significance.

Color Diagnostics, LLC DBA Color Health
Classification: Uncertain significance for Cardiomyopathy. Last evaluated: 2024-03-06. Review status: criteria provided, single submitter. Criteria: ACMG Guidelines, 2015. Collection method: clinical testing. Allele origin: germline.
Comment: This missense variant replaces isoleucine with phenylalanine at codon 4308 of the RYR2 protein. Computational prediction is inconclusive regarding the impact of this variant on protein structure and function (internally defined REVEL score threshold 0.5 < inconclusive < 0.7, PMID: 27666373). To our knowledge, functional studies have not been reported for this variant. This variant has not been reported in individuals affected with cardiovascular disorders in the literature. This variant has not been identified in the general population by the Genome Aggregation Database (gnomAD). The available evidence is insufficient to determine the role of this variant in disease conclusively. Therefore, this variant is classified as a Variant of Uncertain Significance.

NM_001035.3(RYR2):c.12922A>T (p.Ile4308Phe)

Genes: RYR2 (ryanodine receptor 2; plus strand), LOC126806068 (BRD4-independent group 4 enhancer GRCh37_chr1:237947411-237948610; plus strand). Cytogenetic location: 1q43.
Variant type: single nucleotide variant.
Coding change: c.12922A>T on transcript NM_001035.3 (MANE Select); coding-DNA position 12922, A replaced by T.
Protein change: p.Ile4308Phe; replaces isoleucine 4308 with phenylalanine.
Molecular consequence: missense variant.
Genome position (GRCh38, 1-based): chr1:237,784,634, A>T. VCF-style: chr1-237784634-A-T. GRCh37 (hg19) VCF-style: chr1-237947934-A-T.
Other names: short protein forms I4308F.
Identifiers: ClinVar variation 2774399 (VCV002774399.3), dbSNP rs1254110305, ClinGen allele CA345414710.
Genomic context (GRCh38, chr1:237,784,634, plus strand): 5'-TGGAGTATTTTCATGACCCTCTTGCACTTCGTGGCCAGCGTTTTCAGAGGCTTTTTCCGC[A>T]TCATTTGCAGCCTGCTGCTTGGGGGAAGCCTCGTCGAAGGTGCTAAAAAGATCAAAGTTG-3'
Protein context (NP_001026.2, residues 4298-4318): VASVFRGFFR[Ile4308Phe]ICSLLLGGSL